The following is an entry in ClinVar:

ClinVar aggregate classification (germline): Uncertain significance (1 of 4 stars; one submission).

Submission:

GeneDx
Classification: Uncertain significance. Last evaluated: 2023-03-24. Review status: criteria provided, single submitter. Criteria: GeneDx Variant Classification Process June 2021. Collection method: clinical testing. Allele origin: germline. Affected: yes.
Comment: Has not been previously published as pathogenic or benign to our knowledge; Not observed at significant frequency in large population cohorts (gnomAD); In silico analysis supports that this missense variant has a deleterious effect on protein structure/function

NM_002474.3(MYH11):c.2491A>T (p.Asn831Tyr)

Gene: MYH11 (myosin heavy chain 11; minus strand). Cytogenetic location: 16p13.11.
Variant type: single nucleotide variant.
Coding change: c.2491A>T on transcript NM_002474.3 (MANE Select); coding-DNA position 2491, A replaced by T.
Protein change: p.Asn831Tyr; replaces asparagine 831 with tyrosine.
Molecular consequence: missense variant.
Genome position (GRCh38, 1-based): chr16:15,745,158, T>A on the plus strand (A>T on the coding strand, the complement: MYH11 is on the minus strand). VCF-style: chr16-15745158-T-A. GRCh37 (hg19) VCF-style: chr16-15839015-T-A.
Other names: c.2512A>T, p.Asn838Tyr (NM_001040113.2, NM_001040114.2); c.2491A>T, p.Asn831Tyr (NM_022844.3); short protein forms N831Y, N838Y.
Identifiers: ClinVar variation 2580741 (VCV002580741.1), dbSNP rs2506241717, ClinGen allele CA394866779.